The following is an entry in ClinVar:

ClinVar aggregate classification (germline): Uncertain significance. Review status: criteria provided, single submitter (1 of 4 stars). 2 submissions from 2 submitters: Uncertain significance (1). 1 of the submissions does not count toward it. Last evaluated 2022-05-29.

Conditions:
Alstrom syndrome (ALMS). Identifiers: Orphanet 64, MedGen C0268425, MONDO:0008763, OMIM 203800.

Allele frequency attached by ClinVar (database versions not stated): gnomAD 0.00001; gnomAD exomes 0.00001 and 0.00003; TOPMed 0.00001; ExAC 0.00003.
gnomAD v4.1: 7 of 1,613,984 alleles (0.00043%); highest among the groups gnomAD compares: Admixed American, 0.012%; no homozygotes.

Submissions (2):

Labcorp Genetics (formerly Invitae), Labcorp
Classification: Uncertain significance for Alstrom syndrome. Last evaluated: 2022-05-29. Review status: criteria provided, single submitter. Criteria: Invitae Variant Classification Sherloc (09022015). Collection method: clinical testing. Allele origin: germline.
Comment: This sequence change replaces histidine, which is basic and polar, with tyrosine, which is neutral and polar, at codon 2595 of the ALMS1 protein (p.His2595Tyr). This variant is present in population databases (rs754585700, gnomAD 0.02%). This variant has not been reported in the literature in individuals affected with ALMS1-related conditions. ClinVar contains an entry for this variant (Variation ID: 1053023). Experimental studies and prediction algorithms are not available or were not evaluated, and the functional significance of this variant is currently unknown. In summary, the available evidence is currently insufficient to determine the role of this variant in disease. Therefore, it has been classified as a Variant of Uncertain Significance.

Natera, Inc.
Classification: Uncertain significance for Alstrom syndrome. Last evaluated: 2020-08-03. Review status: no assertion criteria provided. Collection method: clinical testing. Allele origin: germline. Not counted in ClinVar's aggregate classification.

NM_001378454.1(ALMS1):c.7780C>T (p.His2594Tyr)

Gene: ALMS1 (ALMS1 centrosome and basal body associated protein; plus strand). Cytogenetic location: 2p13.1.
Variant type: single nucleotide variant.
Coding change: c.7780C>T on transcript NM_001378454.1 (MANE Select); coding-DNA position 7780, C replaced by T.
Protein change: p.His2594Tyr; replaces histidine 2594 with tyrosine.
Molecular consequence: missense variant.
Genome position (GRCh38, 1-based): chr2:73,489,739, C>T. VCF-style: chr2-73489739-C-T. GRCh37 (hg19) VCF-style: chr2-73716866-C-T.
Other names: c.7783C>T, p.His2595Tyr (NM_015120.4); short protein forms H2594Y, H2595Y.
Identifiers: ClinVar variation 1053023 (VCV001053023.8), dbSNP rs754585700, ClinGen allele CA1714348.